The following is an entry in ClinVar:

ClinVar aggregate classification (germline): Uncertain significance. Review status: criteria provided, multiple submitters, no conflicts (2 of 4 stars). 2 submissions from 2 submitters: Uncertain significance (2). Last evaluated 2025-02-27.

Conditions:
Inborn genetic diseases. Identifiers: MedGen C0950123, MeSH D030342.

Allele frequency attached by ClinVar (database versions not stated): gnomAD 0.00002; TOPMed 0.00004; gnomAD exomes 0.00006; ESP Exome Variant Server 0.00008.
gnomAD v4.1: 89 of 1,612,692 alleles (0.0055%); highest among the groups gnomAD compares: Non-Finnish European, 0.0071%; no homozygotes.

Submissions (2):

Ambry Genetics
Classification: Uncertain significance for Inborn genetic diseases. Last evaluated: 2025-02-27. Review status: criteria provided, single submitter. Criteria: Ambry Variant Classification Scheme 2023. Collection method: clinical testing. Allele origin: germline.

Labcorp Genetics (formerly Invitae), Labcorp
Classification: Uncertain significance. Last evaluated: 2022-08-23. Review status: criteria provided, single submitter. Criteria: Invitae Variant Classification Sherloc (09022015). Collection method: clinical testing. Allele origin: germline.
Comment: In summary, the available evidence is currently insufficient to determine the role of this variant in disease. Therefore, it has been classified as a Variant of Uncertain Significance. Advanced modeling of protein sequence and biophysical properties (such as structural, functional, and spatial information, amino acid conservation, physicochemical variation, residue mobility, and thermodynamic stability) performed at Invitae indicates that this missense variant is not expected to disrupt ANO6 protein function. This variant has not been reported in the literature in individuals affected with ANO6-related conditions. The frequency data for this variant in the population databases is considered unreliable, as metrics indicate poor data quality at this position in the gnomAD database. This sequence change replaces asparagine, which is neutral and polar, with serine, which is neutral and polar, at codon 7 of the ANO6 protein (p.Asn7Ser).

NM_001025356.3(ANO6):c.20A>G (p.Asn7Ser)

Gene: ANO6 (anoctamin 6; plus strand). Cytogenetic location: 12q12.
Variant type: single nucleotide variant.
Coding change: c.20A>G on transcript NM_001025356.3 (MANE Select); coding-DNA position 20, A replaced by G.
Protein change: p.Asn7Ser; replaces asparagine 7 with serine.
Molecular consequence: missense variant.
Genome position (GRCh38, 1-based): chr12:45,216,341, A>G. VCF-style: chr12-45216341-A-G. GRCh37 (hg19) VCF-style: chr12-45610124-A-G.
Other names: c.20A>G (NM_001025356.2); c.20A>G, p.Asn7Ser (NM_001142679.2, NM_001204803.2); short protein forms N7S.
Identifiers: ClinVar variation 2186525 (VCV002186525.5), dbSNP rs371431879, ClinGen allele CA236925459.